The following is an entry in ClinVar:

NM_015346.4(ZFYVE26):c.36_37del (p.Gln13fs)

Gene: ZFYVE26 (zinc finger FYVE-type containing 26; minus strand). Cytogenetic location: 14q24.1.
Variant type: Deletion.
Coding change: c.36_37del on transcript NM_015346.4 (MANE Select); coding-DNA positions 36 to 37, 2 bases deleted (GC; older notation c.36_37delGC).
Protein change: p.Gln13fs; shifts the reading frame from glutamine 13.
Molecular consequence: frameshift variant.
Genome position (GRCh38, 1-based): chr14:67,815,927-67,815,928, GC deleted on the plus strand (GC on the coding strand, the reverse complement: ZFYVE26 is on the minus strand); deleting any 2 consecutive bases within chr14:67,815,927-67,815,929 gives the same sequence; the c. name uses the placement nearest the transcript's 3' end. VCF-style (leftmost placement, unchanged base first): chr14-67815926-TGC-T. GRCh37 (hg19) VCF-style: chr14-68282643-TGC-T.
Other names: short protein forms Q13fs.
Identifiers: ClinVar variation 1726787 (VCV001726787.2), dbSNP rs2502898338, ClinGen allele CA2580088657.

ClinVar aggregate classification (germline): Likely pathogenic (1 of 4 stars; one submission).

Conditions:
Hereditary spastic paraplegia 15 (SPG15). Also called: SPASTIC PARAPLEGIA 15, AUTOSOMAL RECESSIVE; KJELLIN SYNDROME; SPASTIC PARAPLEGIA AND RETINAL DEGENERATION. Identifiers: Orphanet 100996, MedGen C1849128, MONDO:0010044, OMIM 270700.

Submission:

Myriad Genetics, Inc.
Classification: Likely pathogenic for Hereditary spastic paraplegia 15. Last evaluated: 2022-01-02. Review status: criteria provided, single submitter. Criteria: Myriad Women's Health Autosomal Recessive and X-Linked Classification Criteria (2021). Collection method: clinical testing. Allele origin: unknown.
Comment: NM_015346.3(ZFYVE26):c.36_37delGC(Q13Efs*90) is expected to be pathogenic in the context of spastic paraplegia type 15. This variant is predicted to lead to an abnormal or absent protein product due to the creation of a premature termination codon in ZFYVE26, a gene where loss-of-function variants are known to be pathogenic. Please note: this variant was assessed in the context of healthy population screening.